The following is an entry in ClinVar:

ClinVar aggregate classification (germline): Uncertain significance. Review status: criteria provided, multiple submitters, no conflicts (2 of 4 stars). 4 submissions from 3 submitters: Uncertain significance (4). Last evaluated 2025-10-13.

Conditions:
Breast-ovarian cancer, familial, susceptibility to, 5 (BROVCA5). Identifiers: MedGen C5830615, MONDO:0957530, OMIM 620442.
Hereditary cancer-predisposing syndrome. Also called: Hereditary neoplastic syndrome; Neoplastic Syndromes, Hereditary; Hereditary Cancer Syndrome; Tumor predisposition. Identifiers: Orphanet 140162, MedGen C0027672, MeSH D009386, MONDO:0015356.
Familial cancer of breast. Also called: BREAST CANCER, FAMILIAL; Hereditary breast cancer; hereditary breast carcinoma. Identifiers: Orphanet 227535, MedGen C0346153, MONDO:0016419, OMIM 114480. Disease mechanism: loss of function.

Allele frequency attached by ClinVar (database versions not stated): gnomAD exomes below 0.00001.

Submissions (4):

Labcorp Genetics (formerly Invitae), Labcorp
Classification: Uncertain significance for Familial cancer of breast. Last evaluated: 2025-10-13. Review status: criteria provided, single submitter. Criteria: Invitae Variant Classification Sherloc (09022015). Collection method: clinical testing. Allele origin: germline.
Comment: This sequence change falls in intron 4 of the PALB2 gene. It does not directly change the encoded amino acid sequence of the PALB2 protein. It affects a nucleotide within the consensus splice site. This variant is not present in population databases (gnomAD no frequency). This variant has not been reported in the literature in individuals affected with PALB2-related conditions. ClinVar contains an entry for this variant (Variation ID: 530231). Variants that disrupt the consensus splice site are a relatively common cause of aberrant splicing (PMID: 17576681, 9536098). Algorithms developed to predict the effect of sequence changes on RNA splicing suggest that this variant is not likely to affect RNA splicing. In summary, the available evidence is currently insufficient to determine the role of this variant in disease. Therefore, it has been classified as a Variant of Uncertain Significance.

St. Jude Molecular Pathology, St. Jude Children's Research Hospital
Classification: Uncertain significance for Breast-ovarian cancer, familial, susceptibility to, 5. Last evaluated: 2025-06-17. Review status: criteria provided, single submitter. Criteria: St. Jude Assertion Criteria 2020. Collection method: clinical testing. Allele origin: germline.
Comment: The PALB2 c.1684+6del intronic change results in a deletion at the +6 position of intron 4 of the PALB2 gene. Algorithms that predict the impact of sequence changes on splicing indicate that this variant likely does not affect splicing, but to our knowledge these predictions have not been confirmed by RNA studies. To our knowledge, this variant has not been reported as pathogenic in individuals with PALB2-associated conditions. In summary, the evidence currently available is insufficient to determine the clinical significance of this variant. It has therefore been classified as of uncertain significance.

St. Jude Molecular Pathology, St. Jude Children's Research Hospital
Classification: Uncertain significance for Familial cancer of breast. Last evaluated: 2025-06-17. Review status: criteria provided, single submitter. Criteria: St. Jude Assertion Criteria 2020. Collection method: clinical testing. Allele origin: germline.
Comment: the same text as in the submission from St. Jude Molecular Pathology, St. Jude Children's Research Hospital above.

Color Diagnostics, LLC DBA Color Health
Classification: Uncertain significance for Hereditary cancer-predisposing syndrome. Last evaluated: 2023-03-01. Review status: criteria provided, single submitter. Criteria: ACMG Guidelines, 2015. Collection method: clinical testing. Allele origin: germline.
Comment: This variant deletes 1 nucleotide at the +6 position of intron 4 of the PALB2 gene. Splice site prediction tools suggest that this variant may not impact RNA splicing. To our knowledge, functional assays have not been performed for this variant nor has this variant been reported in individuals affected with hereditary cancer in the literature. This variant has not been identified in the general population by the Genome Aggregation Database (gnomAD). Available evidence is insufficient to determine the role of this variant in disease conclusively. Therefore, this variant is classified as a Variant of Uncertain Significance.

Literature cited by the submitters: PubMed 17576681 (cited by Labcorp Genetics (formerly Invitae), Labcorp); PubMed 9536098 (cited by Labcorp Genetics (formerly Invitae), Labcorp).

NM_024675.4(PALB2):c.1684+6del

Gene: PALB2 (partner and localizer of BRCA2; minus strand). Cytogenetic location: 16p12.2.
Variant type: Deletion.
Coding change: c.1684+6del on transcript NM_024675.4 (MANE Select); 6 bases into the intron after coding-DNA position 1684, one base deleted (T; older notation c.1684+6delT).
Molecular consequence: intron variant.
Genome position (GRCh38, 1-based): chr16:23,634,856, A deleted on the plus strand (T on the coding strand, the reverse complement: PALB2 is on the minus strand). VCF-style (leftmost placement, unchanged base first): chr16-23634855-GA-G. GRCh37 (hg19) VCF-style: chr16-23646176-GA-G.
Other names: c.1684+6delT (NM_024675.3).
Identifiers: ClinVar variation 530231 (VCV000530231.18), dbSNP rs1555461147, ClinGen allele CA658798578.
Genomic context (GRCh38, chr16:23,634,855, plus strand): 5'-GCCAGGCAAATAGTAATTGTTAACTTTCATCATCATCATCATCATCATCAAACACATCTT[GA>G]TTTACCTTTCACTTGAATAAATAATTTTTCGTGCTGATATTTGTGTGAGGTGACTTCTTC-3'